The following is an entry in ClinVar:

NM_001009944.3(PKD1):c.5458G>A (p.Gly1820Arg)

Gene: PKD1 (polycystin 1, transient receptor potential channel interacting; minus strand). Cytogenetic location: 16p13.3.
Variant type: single nucleotide variant.
Coding change: c.5458G>A on transcript NM_001009944.3 (MANE Select); coding-DNA position 5458, G replaced by A.
Protein change: p.Gly1820Arg; replaces glycine 1820 with arginine.
Molecular consequence: missense variant.
Genome position (GRCh38, 1-based): chr16:2,109,709, C>T on the plus strand (G>A on the coding strand, the complement: PKD1 is on the minus strand). VCF-style: chr16-2109709-C-T. GRCh37 (hg19) VCF-style: chr16-2159710-C-T.
Other names: c.5458G>A, p.Gly1820Arg (NM_000296.4); short protein forms G1820R.
Identifiers: ClinVar variation 2571939 (VCV002571939.2), dbSNP rs755245568, ClinGen allele CA7831967.

ClinVar aggregate classification (germline): Uncertain significance (1 of 4 stars; one submission).

Allele frequency attached by ClinVar (database versions not stated): gnomAD 0.00005; TOPMed 0.00006; ExAC 0.00016.

Submission:

GeneDx
Classification: Uncertain significance. Last evaluated: 2024-11-18. Review status: criteria provided, single submitter. Criteria: GeneDx Variant Classification Process June 2021. Collection method: clinical testing. Allele origin: germline. Affected: yes.
Comment: Identified in a patient with intracranial aneurysms and also identified in control alleles in published literature (PMID: 27567292); In silico analysis supports that this missense variant has a deleterious effect on protein structure/function; This variant is associated with the following publications: (PMID: 27567292)